The following is an entry in ClinVar:

ClinVar aggregate classification (germline): Uncertain significance (1 of 4 stars; one submission).

Conditions:
Arginine:glycine amidinotransferase deficiency (CCDS3). Also called: L-Arginine:Glycine Amidinotransferase (AGAT) Deficiency; AGAT deficiency; L-Arginine:Glycine Amidinotransferase Deficiency; Creatine deficiency syndrome due to AGAT deficiency; GATM deficiency; Cerebral creatine deficiency syndrome 3. Identifiers: Orphanet 35704, MedGen C2675179, MONDO:0012996, OMIM 612718.

Submission:

Labcorp Genetics (formerly Invitae), Labcorp
Classification: Uncertain significance for Arginine:glycine amidinotransferase deficiency. Last evaluated: 2023-02-21. Review status: criteria provided, single submitter. Criteria: Invitae Variant Classification Sherloc (09022015). Collection method: clinical testing. Allele origin: germline.
Comment: In summary, the available evidence is currently insufficient to determine the role of this variant in disease. Therefore, it has been classified as a Variant of Uncertain Significance. Advanced modeling of protein sequence and biophysical properties (such as structural, functional, and spatial information, amino acid conservation, physicochemical variation, residue mobility, and thermodynamic stability) performed at Invitae indicates that this missense variant is not expected to disrupt GATM protein function. This variant has not been reported in the literature in individuals affected with GATM-related conditions. This variant is not present in population databases (gnomAD no frequency). This sequence change replaces phenylalanine, which is neutral and non-polar, with leucine, which is neutral and non-polar, at codon 266 of the GATM protein (p.Phe266Leu).

NM_001482.3(GATM):c.798T>G (p.Phe266Leu)

Gene: GATM (glycine amidinotransferase; minus strand). Cytogenetic location: 15q21.1.
Variant type: single nucleotide variant.
Coding change: c.798T>G on transcript NM_001482.3 (MANE Select); coding-DNA position 798, T replaced by G.
Protein change: p.Phe266Leu; replaces phenylalanine 266 with leucine.
Molecular consequence: missense variant.
Genome position (GRCh38, 1-based): chr15:45,366,386, A>C on the plus strand (T>G on the coding strand, the complement: GATM is on the minus strand). VCF-style: chr15-45366386-A-C. GRCh37 (hg19) VCF-style: chr15-45658584-A-C.
Other names: c.411T>G, p.Phe137Leu (NM_001321015.2); short protein forms F137L, F266L.
Identifiers: ClinVar variation 2839585 (VCV002839585.3), dbSNP rs2140641810, ClinGen allele CA392258584.